The following is an entry in ClinVar:

ClinVar aggregate classification (germline): Conflicting classifications of pathogenicity. Review status: criteria provided, conflicting classifications (1 of 4 stars). 2 submissions from 2 submitters: Likely pathogenic (1); Uncertain significance (1). Last evaluated 2024-03-04.

Conditions:
Hereditary spastic paraplegia 31. Also called: SPASTIC PARAPLEGIA 31, AUTOSOMAL DOMINANT. Identifiers: Orphanet 101011, MedGen C1853247, MONDO:0012453, OMIM 610250.
REEP1-related disorder. Also called: REEP1-related condition.

Allele frequency attached by ClinVar (database versions not stated): gnomAD exomes below 0.00001.
gnomAD v4.1: 1 of 1,608,828 alleles (0.000062%); highest among the groups gnomAD compares: Non-Finnish European, 0.000085%; no homozygotes.

Submissions (2):

3billion
Classification: Likely pathogenic for Hereditary spastic paraplegia 31. Last evaluated: 2024-03-04. Review status: criteria provided, single submitter. Criteria: ACMG Guidelines, 2015. Collection method: clinical testing. Allele origin: germline. Affected: yes.
Comment: The variant is not observed in the gnomAD v2.1.1 dataset. Predicted Consequence/Location: The majority of the known disease-causing variants of this gene are variants expected to result in premature termination of the protein. In silico tool predictions suggest damaging effect of the variant on gene or gene product [REVEL: 0.98 (>=0.6, sensitivity 0.68 and specificity 0.92); 3Cnet: 0.84 (>=0.6, sensitivity 0.72 and precision 0.9)]. Same nucleotide change resulting in same amino acid change has been previously reported to be associated with REEP1 related disorder (PMID: 34782662). However, the evidence of pathogenicity is insufficient at this time. Different missense changes at the same codon (p.Pro19Arg, p.Pro19Leu) have been reported as pathogenic/likely pathogenic with strong evidence (ClinVar ID: VCV000411807, VCV000989221 /PMID: 18321925, 21618648). Therefore, this variant is classified as Likely pathogenic according to the recommendation of ACMG/AMP guideline.

PreventionGenetics, part of Exact Sciences
Classification: Uncertain significance for REEP1-related condition. Last evaluated: 2023-04-07. Review status: criteria provided, single submitter. Criteria: ACMG Guidelines, 2015. Collection method: clinical testing. Allele origin: germline.
Comment: The REEP1 c.55C>A variant is predicted to result in the amino acid substitution p.Pro19Thr. This variant was reported in an individual with childhood onset hereditary spastic paraplegia (Giordani et al. 2021. PubMed ID: 34782662). This variant has not been reported in a large population database, indicating this variant is rare. Although we suspect that this variant may be pathogenic, at this time, the clinical significance of this variant is uncertain due to the absence of conclusive functional and genetic evidence.

Literature cited by the submitters: PubMed 34782662 (cited by 3billion); PubMed 18321925 (cited by 3billion).

NM_001371279.1(REEP1):c.55C>A (p.Pro19Thr)

Gene: REEP1 (receptor accessory protein 1; minus strand). Cytogenetic location: 2p11.2.
Variant type: single nucleotide variant.
Coding change: c.55C>A on transcript NM_001371279.1 (MANE Select); coding-DNA position 55, C replaced by A.
Protein change: p.Pro19Thr; replaces proline 19 with threonine.
Molecular consequence: missense variant. On other transcripts: intron variant (1).
Genome position (GRCh38, 1-based): chr2:86,282,220, G>T on the plus strand (C>A on the coding strand, the complement: REEP1 is on the minus strand). VCF-style: chr2-86282220-G-T. GRCh37 (hg19) VCF-style: chr2-86509343-G-T.
Other names: c.76C>A, p.Pro26Thr (NM_001164730.2); c.55C>A, p.Pro19Thr (NM_001164732.2, NM_001371280.1, NM_001410855.1 and 2 more transcripts); c.25-18179C>A (NM_001164731.2); short protein forms P19T, P26T.
Identifiers: ClinVar variation 2633709 (VCV002633709.2), dbSNP rs2468983254, ClinGen allele CA347722707.